The following is an entry in ClinVar:

ClinVar aggregate classification (germline): Benign. Review status: criteria provided, multiple submitters, no conflicts (2 of 4 stars). 2 submissions from 2 submitters: Benign (2). Last evaluated 2018-06-20.

Allele frequency attached by ClinVar (database versions not stated): 1000 Genomes Project 30x 0.26765; 1000 Genomes Project 0.27256; TOPMed 0.29640; gnomAD 0.31236 and 0.31471; gnomAD exomes 0.38495.
gnomAD v4.1: 429,165 of 1,143,284 alleles (38%); highest among the groups gnomAD compares: Non-Finnish European, 41%; 85,506 homozygotes.

Submissions (2):

GeneDx
Classification: Benign. Last evaluated: 2018-06-20. Review status: criteria provided, single submitter. Criteria: GeneDx Variant Classification (06012015). Collection method: clinical testing. Allele origin: germline. Affected: yes.
Comment: This variant is considered likely benign or benign based on one or more of the following criteria: it is a conservative change, it occurs at a poorly conserved position in the protein, it is predicted to be benign by multiple in silico algorithms, and/or has population frequency not consistent with disease.

Breakthrough Genomics
Classification: Benign. Review status: criteria provided, single submitter. Criteria: ACMG Guidelines, 2015. Collection method: not provided. Allele origin: germline. Inheritance: Autosomal recessive inheritance. Affected: yes.

NM_006231.4(POLE):c.286-96G>A

Gene: POLE (DNA polymerase epsilon, catalytic subunit; minus strand). Cytogenetic location: 12q24.33.
Variant type: single nucleotide variant.
Coding change: c.286-96G>A on transcript NM_006231.4 (MANE Select); 96 bases into the intron before coding-DNA position 286, G replaced by A.
Molecular consequence: intron variant.
Genome position (GRCh38, 1-based): chr12:132,680,318, C>T on the plus strand (G>A on the coding strand, the complement: POLE is on the minus strand). VCF-style: chr12-132680318-C-T. GRCh37 (hg19) VCF-style: chr12-133256904-C-T.
Identifiers: ClinVar variation 676489 (VCV000676489.2), dbSNP rs5744738, ClinGen allele CA13640048.
Genomic context (GRCh38, chr12:132,680,318, plus strand): 5'-GAAAGAAGAAAGCGAGAGAAAAGTGAAAACACATTGCTTGCTCCTATATCCCATGAACAG[C>T]CTAGGGCCAGGGTAGCCTTGACCTTGGTAGCATACAGGAAGTCAGAATGCGCACTTTTCA-3'